The following is an entry in ClinVar:

NM_002661.5(PLCG2):c.911A>G (p.Glu304Gly)

Gene: PLCG2 (phospholipase C gamma 2; plus strand). Cytogenetic location: 16q23.3.
Variant type: single nucleotide variant.
Coding change: c.911A>G on transcript NM_002661.5 (MANE Select); coding-DNA position 911, A replaced by G.
Protein change: p.Glu304Gly; replaces glutamic acid 304 with glycine.
Molecular consequence: missense variant.
Genome position (GRCh38, 1-based): chr16:81,891,515, A>G. VCF-style: chr16-81891515-A-G. GRCh37 (hg19) VCF-style: chr16-81925120-A-G.
Other names: c.911A>G, p.Glu304Gly (NM_001425749.1, NM_001425750.1, NM_001425751.1); short protein forms E304G.
Identifiers: ClinVar variation 2852089 (VCV002852089.3), dbSNP rs2507618849, ClinGen allele CA396897968.

ClinVar aggregate classification (germline): Uncertain significance (1 of 4 stars; one submission).

Conditions:
Familial cold autoinflammatory syndrome 3 (FCAS3). Also called: FAMILIAL ATYPICAL COLD URTICARIA; ANTIBODY DEFICIENCY AND IMMUNE DYSREGULATION, PLCG2-ASSOCIATED. Identifiers: Orphanet 300359, MedGen C3280914, MONDO:0013766, OMIM 614468.

Submission:

Labcorp Genetics (formerly Invitae), Labcorp
Classification: Uncertain significance for Familial cold autoinflammatory syndrome 3. Last evaluated: 2023-04-04. Review status: criteria provided, single submitter. Criteria: Invitae Variant Classification Sherloc (09022015). Collection method: clinical testing. Allele origin: germline.
Comment: This sequence change replaces glutamic acid, which is acidic and polar, with glycine, which is neutral and non-polar, at codon 304 of the PLCG2 protein (p.Glu304Gly). This variant is not present in population databases (gnomAD no frequency). This variant has not been reported in the literature in individuals affected with PLCG2-related conditions. Algorithms developed to predict the effect of missense changes on protein structure and function output the following: SIFT: "Not Available"; PolyPhen-2: "Benign"; Align-GVGD: "Not Available". The glycine amino acid residue is found in multiple mammalian species, which suggests that this missense change does not adversely affect protein function. In summary, the available evidence is currently insufficient to determine the role of this variant in disease. Therefore, it has been classified as a Variant of Uncertain Significance.